The following is an entry in ClinVar:

ClinVar aggregate classification (germline): Likely benign. Review status: criteria provided, multiple submitters, no conflicts (2 of 4 stars). 2 submissions from 2 submitters: Likely benign (2). Last evaluated 2025-09-01.

Conditions:
Early-infantile DEE. Also called: Early infantile epileptic encephalopathy; Early infantile epileptic encephalopathy with suppression bursts; Ohtahara syndrome. Identifiers: Orphanet 1934, MedGen C0393706, MONDO:0800491.

Allele frequency attached by ClinVar (database versions not stated): ExAC 0.00001; gnomAD 0.00001; gnomAD exomes 0.00001; TOPMed 0.00001.
gnomAD v4.1: 12 of 1,614,004 alleles (0.00074%); highest among the groups gnomAD compares: Non-Finnish European, 0.00093%; no homozygotes.

Submissions (2):

CeGaT Center for Human Genetics Tuebingen
Classification: Likely benign. Last evaluated: 2025-09-01. Review status: criteria provided, single submitter. Criteria: CeGaT Center For Human Genetics Tuebingen Variant Classification Criteria Version 2. Collection method: clinical testing. Allele origin: germline. Affected: yes. Observed: 1 variant allele.
Comment: SPTAN1: BP4, BP7

Labcorp Genetics (formerly Invitae), Labcorp
Classification: Likely benign for Early-infantile DEE. Last evaluated: 2025-04-01. Review status: criteria provided, single submitter. Criteria: Invitae Variant Classification Sherloc (09022015). Collection method: clinical testing. Allele origin: germline.

NM_001130438.3(SPTAN1):c.1929C>T (p.His643=)

Gene: SPTAN1 (spectrin alpha, non-erythrocytic 1; plus strand). Cytogenetic location: 9q34.11.
Variant type: single nucleotide variant.
Coding change: c.1929C>T on transcript NM_001130438.3 (MANE Select); coding-DNA position 1929, C replaced by T.
Protein change: p.His643=; no amino-acid change (histidine 643 retained).
Molecular consequence: synonymous variant.
Genome position (GRCh38, 1-based): chr9:128,583,199, C>T. VCF-style: chr9-128583199-C-T. GRCh37 (hg19) VCF-style: chr9-131345478-C-T.
Other names: c.1929C>T, p.His643= (NM_001195532.2, NM_001363759.2, NM_001363765.2 and 5 more transcripts); c.1965C>T, p.His655= (NM_001375312.2, NM_001375318.1).
Identifiers: ClinVar variation 2036684 (VCV002036684.11), dbSNP rs751104914, ClinGen allele CA5264536.